The following is an entry in ClinVar:

NM_017514.5(PLXNA3):c.4953C>T (p.Ser1651=)

Gene: PLXNA3 (plexin A3; plus strand). Cytogenetic location: Xq28.
Variant type: single nucleotide variant.
Coding change: c.4953C>T on transcript NM_017514.5 (MANE Select); coding-DNA position 4953, C replaced by T.
Protein change: p.Ser1651=; no amino-acid change (serine 1651 retained).
Molecular consequence: synonymous variant.
Genome position (GRCh38, 1-based): chrX:154,470,134, C>T. VCF-style: chrX-154470134-C-T. GRCh37 (hg19) VCF-style: chrX-153698477-C-T.
Identifiers: ClinVar variation 3032020 (VCV003032020.2), dbSNP rs781816637, ClinGen allele CA10565008.

ClinVar aggregate classification (germline): Likely benign (0 of 4 stars; one submission).

Conditions:
PLXNA3-related disorder. Also called: PLXNA3-related condition.

Allele frequency attached by ClinVar (database versions not stated): TOPMed 0.00002; gnomAD 0.00005; ExAC 0.00006.
gnomAD v4.1: 27 of 1,210,201 alleles (0.0022%); highest among the groups gnomAD compares: East Asian, 0.024%; no homozygotes.

Submission:

PreventionGenetics, part of Exact Sciences
Classification: Likely benign for PLXNA3-related condition. Last evaluated: 2022-03-16. Review status: no assertion criteria provided. Collection method: clinical testing. Allele origin: germline.
Comment: This variant is classified as likely benign based on ACMG/AMP sequence variant interpretation guidelines (Richards et al. 2015 PMID: 25741868, with internal and published modifications).